The following is an entry in ClinVar:

NM_007325.5(GRIA3):c.2648G>T (p.Gly883Val)

Gene: GRIA3 (glutamate ionotropic receptor AMPA type subunit 3; plus strand). Cytogenetic location: Xq25.
Variant type: single nucleotide variant.
Coding change: c.2648G>T on transcript NM_007325.5 (MANE Select); coding-DNA position 2648, G replaced by T.
Protein change: p.Gly883Val; replaces glycine 883 with valine.
Molecular consequence: missense variant.
Genome position (GRCh38, 1-based): chrX:123,483,007, G>T. VCF-style: chrX-123483007-G-T. GRCh37 (hg19) VCF-style: chrX-122616858-G-T.
Other names: c.2648G>T, p.Gly883Val (NM_000828.5); short protein forms G883V.
Identifiers: ClinVar variation 2825064 (VCV002825064.3), dbSNP rs2521368633, ClinGen allele CA414256420.

ClinVar aggregate classification (germline): Uncertain significance (1 of 4 stars; one submission).

Submission:

Labcorp Genetics (formerly Invitae), Labcorp
Classification: Uncertain significance. Last evaluated: 2022-12-30. Review status: criteria provided, single submitter. Criteria: Invitae Variant Classification Sherloc (09022015). Collection method: clinical testing. Allele origin: germline.
Comment: This variant has not been reported in the literature in individuals affected with GRIA3-related conditions. In summary, the available evidence is currently insufficient to determine the role of this variant in disease. Therefore, it has been classified as a Variant of Uncertain Significance. Algorithms developed to predict the effect of missense changes on protein structure and function (SIFT, PolyPhen-2, Align-GVGD) all suggest that this variant is likely to be disruptive. This variant is not present in population databases (gnomAD no frequency). This sequence change replaces glycine, which is neutral and non-polar, with valine, which is neutral and non-polar, at codon 883 of the GRIA3 protein (p.Gly883Val).